The following is an entry in ClinVar:

ClinVar aggregate classification (germline): Uncertain significance. Review status: criteria provided, multiple submitters, no conflicts (2 of 4 stars). 3 submissions from 3 submitters: Uncertain significance (3). Last evaluated 2026-05-13.

Conditions:
Inborn genetic diseases. Identifiers: MedGen C0950123, MeSH D030342.

Submissions (3):

Ambry Genetics
Classification: Uncertain significance for Inborn genetic diseases. Last evaluated: 2026-05-13. Review status: criteria provided, single submitter. Criteria: Ambry Variant Classification Scheme 2023. Collection method: clinical testing. Allele origin: germline.
Comment: The p.T472I variant (also known as c.1415C>T), located in coding exon 14 of the DDX41 gene, results from a C to T substitution at nucleotide position 1415. The threonine at codon 472 is replaced by isoleucine, an amino acid with similar properties. This amino acid position is highly conserved in available vertebrate species. In addition, the in silico prediction for this alteration is inconclusive. Based on the available evidence, the clinical significance of this variant remains unclear.

Labcorp Genetics (formerly Invitae), Labcorp
Classification: Uncertain significance. Last evaluated: 2023-08-25. Review status: criteria provided, single submitter. Criteria: Invitae Variant Classification Sherloc (09022015). Collection method: clinical testing. Allele origin: germline.
Comment: This sequence change replaces threonine, which is neutral and polar, with isoleucine, which is neutral and non-polar, at codon 472 of the DDX41 protein (p.Thr472Ile). This variant is not present in population databases (gnomAD no frequency). This variant has not been reported in the literature in individuals affected with DDX41-related conditions. An algorithm developed to predict the effect of missense changes on protein structure and function (PolyPhen-2) suggests that this variant is likely to be tolerated. In summary, the available evidence is currently insufficient to determine the role of this variant in disease. Therefore, it has been classified as a Variant of Uncertain Significance.

GeneDx
Classification: Uncertain significance. Last evaluated: 2023-03-03. Review status: criteria provided, single submitter. Criteria: GeneDx Variant Classification Process June 2021. Collection method: clinical testing. Allele origin: germline. Affected: yes.
Comment: Not observed at significant frequency in large population cohorts (gnomAD); In silico analysis supports that this missense variant does not alter protein structure/function; Has not been previously published as pathogenic or benign to our knowledge; This variant is associated with the following publications: (PMID: 27721487)

NM_016222.4(DDX41):c.1415C>T (p.Thr472Ile)

Gene: DDX41 (DEAD-box helicase 41; minus strand). Cytogenetic location: 5q35.3.
Variant type: single nucleotide variant.
Coding change: c.1415C>T on transcript NM_016222.4 (MANE Select); coding-DNA position 1415, C replaced by T.
Protein change: p.Thr472Ile; replaces threonine 472 with isoleucine.
Molecular consequence: missense variant.
Genome position (GRCh38, 1-based): chr5:177,512,630, G>A on the plus strand (C>T on the coding strand, the complement: DDX41 is on the minus strand). VCF-style: chr5-177512630-G-A. GRCh37 (hg19) VCF-style: chr5-176939631-G-A.
Other names: c.1037C>T, p.Thr346Ile (NM_001321732.2, NM_001321830.2); short protein forms T346I, T472I.
Identifiers: ClinVar variation 2578173 (VCV002578173.5), dbSNP rs2532075895, ClinGen allele CA362372990.
Genomic context (GRCh38, chr5:177,512,630, plus strand): 5'-GCAACGTCTGTGGCTACTAGGACATCCTTCTTGCCCTCCCGGAATGCCTCGATGGCCTTA[G>A]TCCGTTCCTCCTGGTCTGGGGAGGGTCAGGCAGACACTGTCAGAGCCACCATGGGACAGG-3'
Protein context (NP_057306.2, residues 462-482): IHGGKDQEER[Thr472Ile]KAIEAFREGK